The following is an entry in ClinVar:

NM_001384140.1(PCDH15):c.3233-13T>G

Gene: PCDH15 (protocadherin related 15; minus strand). Cytogenetic location: 10q21.1.
Variant type: single nucleotide variant.
Coding change: c.3233-13T>G on transcript NM_001384140.1 (MANE Select); 13 bases into the intron before coding-DNA position 3233, T replaced by G.
Molecular consequence: intron variant.
Genome position (GRCh38, 1-based): chr10:53,938,968, A>C on the plus strand (T>G on the coding strand, the complement: PCDH15 is on the minus strand). VCF-style: chr10-53938968-A-C. GRCh37 (hg19) VCF-style: chr10-55698728-A-C.
Other names: c.3233-13T>G (NM_001354420.2, NM_001354429.2, NM_001142772.2 and 4 more transcripts); c.3248-13T>G (NM_001142771.2, NM_001142763.2); c.3254-13T>G (NM_001354411.2); c.3269-13T>G (NM_001142769.3); c.3167-13T>G (NM_001354404.2, NM_001142773.2, NM_001142768.2); c.3122-13T>G (NM_001142767.2); c.3020-13T>G (NM_001142765.2).
Identifiers: ClinVar variation 2919224 (VCV002919224.3), dbSNP rs1268274118, ClinGen allele CA593497002.
Genomic context (GRCh38, chr10:53,938,968, plus strand): 5'-GTCCATTCACATAGATAACACCTGTGATGTTATTAATTCCAAATGTATCTAGAAATTAAA[A>C]TACAATTACCTGGTCATTGTCTTTACGCTATAAGGAAAGAAATTCTCTTTAAAAGGCACT-3'

ClinVar aggregate classification (germline): Uncertain significance (1 of 4 stars; one submission).

gnomAD v4.1: 1 of 1,610,674 alleles (0.000062%); no homozygotes.

Submission:

Labcorp Genetics (formerly Invitae), Labcorp
Classification: Uncertain significance. Last evaluated: 2023-08-30. Review status: criteria provided, single submitter. Criteria: Invitae Variant Classification Sherloc (09022015). Collection method: clinical testing. Allele origin: germline.
Comment: In summary, the available evidence is currently insufficient to determine the role of this variant in disease. Therefore, it has been classified as a Variant of Uncertain Significance. Algorithms developed to predict the effect of sequence changes on RNA splicing suggest that this variant may disrupt the consensus splice site. This variant has not been reported in the literature in individuals affected with PCDH15-related conditions. This variant is present in population databases (no rsID available, gnomAD no frequency). This sequence change falls in intron 24 of the PCDH15 gene. It does not directly change the encoded amino acid sequence of the PCDH15 protein.